The following is an entry in ClinVar:

NM_000038.6(APC):c.4681A>G (p.Lys1561Glu)

Gene: APC (APC regulator of Wnt signaling pathway; plus strand). Cytogenetic location: 5q22.2.
Variant type: single nucleotide variant.
Coding change: c.4681A>G on transcript NM_000038.6 (MANE Select); coding-DNA position 4681, A replaced by G.
Protein change: p.Lys1561Glu; replaces lysine 1561 with glutamic acid.
Molecular consequence: missense variant.
Genome position (GRCh38, 1-based): chr5:112,840,275, A>G. VCF-style: chr5-112840275-A-G. GRCh37 (hg19) VCF-style: chr5-112175972-A-G.
Other names: c.4681A>G, p.Lys1561Glu (NM_001127510.3, NM_001354895.2); c.4627A>G, p.Lys1543Glu (NM_001127511.3); c.4735A>G, p.Lys1579Glu (NM_001354896.2); c.4711A>G, p.Lys1571Glu (NM_001354897.2); c.4606A>G, p.Lys1536Glu (NM_001354898.2); c.4597A>G, p.Lys1533Glu (NM_001354899.2); c.4558A>G, p.Lys1520Glu (NM_001354900.2); c.4504A>G, p.Lys1502Glu (NM_001354901.2); and 6 more; short protein forms K1470E, K1502E, K1520E, K1579E, K1278E, K1533E, K1571E, K1460E.
Identifiers: ClinVar variation 1506779 (VCV001506779.9), dbSNP rs1363087815, ClinGen allele CA16031593.

ClinVar aggregate classification (germline): Uncertain significance. Review status: criteria provided, multiple submitters, no conflicts (2 of 4 stars). 2 submissions from 2 submitters: Uncertain significance (2). Last evaluated 2026-01-26.

Conditions:
Familial adenomatous polyposis 1 (FAP1). Also called: POLYPOSIS, ADENOMATOUS INTESTINAL; FAMILIAL ADENOMATOUS POLYPOSIS 1, ATTENUATED. Identifiers: MedGen C2713442, MONDO:0021056, OMIM 175100. Disease mechanism: loss of function.
Hereditary cancer-predisposing syndrome. Also called: Neoplastic Syndromes, Hereditary; Tumor predisposition; Hereditary Cancer Syndrome; Hereditary neoplastic syndrome. Identifiers: Orphanet 140162, MedGen C0027672, MeSH D009386, MONDO:0015356.

Allele frequency attached by ClinVar (database versions not stated): gnomAD exomes below 0.00001 and 0.00001.
gnomAD v4.1: 5 of 1,614,206 alleles (0.00031%); highest among the groups gnomAD compares: Non-Finnish European, 0.00042%; no homozygotes.

Submissions (2):

Ambry Genetics
Classification: Uncertain significance for Hereditary cancer-predisposing syndrome. Last evaluated: 2026-01-26. Review status: criteria provided, single submitter. Criteria: Ambry Variant Classification Scheme 2023. Collection method: clinical testing. Allele origin: germline.
Comment: The p.K1561E variant (also known as c.4681A>G), located in coding exon 15 of the APC gene, results from an A to G substitution at nucleotide position 4681. The lysine at codon 1561 is replaced by glutamic acid, an amino acid with similar properties. This amino acid position is highly conserved in available vertebrate species. In addition, in silico predictors for this gene do not accurately predict pathogenicity. Missense variants in APC are not a common cause of disease (Spier I et al. Genet Med. 2024 Feb;26(2):100992). Based on the available evidence, the clinical significance of this variant remains unclear.

Labcorp Genetics (formerly Invitae), Labcorp
Classification: Uncertain significance for Familial adenomatous polyposis 1. Last evaluated: 2020-11-25. Review status: criteria provided, single submitter. Criteria: Invitae Variant Classification Sherloc (09022015). Collection method: clinical testing. Allele origin: germline.
Comment: This sequence change replaces lysine with glutamic acid at codon 1561 of the APC protein (p.Lys1561Glu). The lysine residue is highly conserved and there is a small physicochemical difference between lysine and glutamic acid. In summary, the available evidence is currently insufficient to determine the role of this variant in disease. Therefore, it has been classified as a Variant of Uncertain Significance. Algorithms developed to predict the effect of sequence changes on RNA splicing suggest that this variant may create or strengthen a splice site, but this prediction has not been confirmed by published transcriptional studies. Algorithms developed to predict the effect of missense changes on protein structure and function are either unavailable or do not agree on the potential impact of this missense change (SIFT: "Deleterious"; PolyPhen-2: "Probably Damaging"; Align-GVGD: "Class C0"). This variant has not been reported in the literature in individuals with APC-related conditions. This variant is not present in population databases (ExAC no frequency).